The following is an entry in ClinVar:

NM_173500.4(TTBK2):c.2418A>G (p.Pro806=)

Gene: TTBK2 (tau tubulin kinase 2; minus strand). Cytogenetic location: 15q15.2.
Variant type: single nucleotide variant.
Coding change: c.2418A>G on transcript NM_173500.4 (MANE Select); coding-DNA position 2418, A replaced by G.
Protein change: p.Pro806=; no amino-acid change (proline 806 retained).
Molecular consequence: synonymous variant.
Genome position (GRCh38, 1-based): chr15:42,752,828, T>C on the plus strand (A>G on the coding strand, the complement: TTBK2 is on the minus strand). VCF-style: chr15-42752828-T-C. GRCh37 (hg19) VCF-style: chr15-43045026-T-C.
Identifiers: ClinVar variation 315984 (VCV000315984.12), dbSNP rs185441376, ClinGen allele CA7516743.

ClinVar aggregate classification (germline): Benign. Review status: criteria provided, multiple submitters, no conflicts (2 of 4 stars). 3 submissions from 3 submitters: Benign (3). Last evaluated 2025-06-02.

Conditions:
Spinocerebellar ataxia type 11 (SCA11). Identifiers: Orphanet 98767, MedGen C1858351, MONDO:0011464, OMIM 604432.

Allele frequency attached by ClinVar (database versions not stated): ESP Exome Variant Server 0.00008; gnomAD exomes 0.00012 and 0.00044; gnomAD 0.00013 and 0.00015; TOPMed 0.00030; ExAC 0.00038; 1000 Genomes Project 0.00060; 1000 Genomes Project 30x 0.00078.
gnomAD v4.1: 215 of 1,614,200 alleles (0.013%); highest among the groups gnomAD compares: East Asian, 0.39%; no homozygotes.

Submissions (3):

Labcorp Genetics (formerly Invitae), Labcorp
Classification: Benign. Last evaluated: 2025-06-02. Review status: criteria provided, single submitter. Criteria: Invitae Variant Classification Sherloc (09022015). Collection method: clinical testing. Allele origin: germline.

Illumina Laboratory Services, Illumina
Classification: Benign for Spinocerebellar ataxia type 11. Last evaluated: 2018-01-12. Review status: criteria provided, single submitter. Criteria: ICSL Variant Classification Criteria 13 December 2019. Collection method: clinical testing. Allele origin: germline.
Comment: This variant was observed in the ICSL laboratory as part of a predisposition screen in an ostensibly healthy population. It had not been previously curated by ICSL or reported in the Human Gene Mutation Database (HGMD: prior to June 1st, 2018), and was therefore a candidate for classification through an automated scoring system. Utilizing variant allele frequency, disease prevalence and penetrance estimates, and inheritance mode, an automated score was calculated to assess if this variant is too frequent to cause the disease. Based on the score and internal cut-off values, a variant classified as benign is not then subjected to further curation. The score for this variant resulted in a classification of benign for this disease.

Breakthrough Genomics
Classification: Benign. Review status: criteria provided, single submitter. Criteria: ACMG Guidelines, 2015. Collection method: not provided. Allele origin: germline. Inheritance: Autosomal dominant inheritance. Affected: yes.